The following is an entry in ClinVar:

NM_000548.5(TSC2):c.5116C>G (p.Arg1706Gly)

Gene: TSC2 (TSC complex subunit 2; plus strand). Cytogenetic location: 16p13.3.
Variant type: single nucleotide variant.
Coding change: c.5116C>G on transcript NM_000548.5 (MANE Select); coding-DNA position 5116, C replaced by G.
Protein change: p.Arg1706Gly; replaces arginine 1706 with glycine.
Molecular consequence: missense variant.
Genome position (GRCh38, 1-based): chr16:2,088,095, C>G. VCF-style: chr16-2088095-C-G. GRCh37 (hg19) VCF-style: chr16-2138096-C-G.
Other names: c.4915C>G, p.Arg1639Gly (NM_001077183.3); c.5047C>G, p.Arg1683Gly (NM_001114382.3); c.4807C>G, p.Arg1603Gly (NM_001318827.2); c.4771C>G, p.Arg1591Gly (NM_001318829.2); c.4384C>G, p.Arg1462Gly (NM_001318831.2); c.4948C>G, p.Arg1650Gly (NM_001318832.2); c.4918C>G, p.Arg1640Gly (NM_001363528.2); c.4984C>G, p.Arg1662Gly (NM_001370404.1); and 2 more; short protein forms R1462G, R1591G, R1603G, R1639G, R1640G, R1650G, R1662G, R1663G.
Identifiers: ClinVar variation 1054766 (VCV001054766.10), dbSNP rs45517391, ClinGen allele CA394312344.

ClinVar aggregate classification (germline): Uncertain significance. Review status: criteria provided, multiple submitters, no conflicts (2 of 4 stars). 2 submissions from 2 submitters: Uncertain significance (2). Last evaluated 2026-01-13.

Conditions:
Hereditary cancer-predisposing syndrome. Also called: Hereditary Cancer Syndrome; Tumor predisposition; Hereditary neoplastic syndrome; Neoplastic Syndromes, Hereditary. Identifiers: Orphanet 140162, MedGen C0027672, MeSH D009386, MONDO:0015356.
Tuberous sclerosis 2 (TSC2). Identifiers: Orphanet 805, MedGen C1860707, MONDO:0013199, OMIM 613254.

Submissions (2):

Labcorp Genetics (formerly Invitae), Labcorp
Classification: Uncertain significance for Tuberous sclerosis 2. Last evaluated: 2026-01-13. Review status: criteria provided, single submitter. Criteria: Invitae Variant Classification Sherloc (09022015). Collection method: clinical testing. Allele origin: germline.
Comment: This sequence change replaces arginine, which is basic and polar, with glycine, which is neutral and non-polar, at codon 1706 of the TSC2 protein (p.Arg1706Gly). This variant is not present in population databases (gnomAD no frequency). This variant has not been reported in the literature in individuals affected with TSC2-related conditions. ClinVar contains an entry for this variant (Variation ID: 1054766). Invitae Evidence Modeling of protein sequence and biophysical properties (such as structural, functional, and spatial information, amino acid conservation, physicochemical variation, residue mobility, and thermodynamic stability) indicates that this missense variant is not expected to disrupt TSC2 protein function with a negative predictive value of 95%. In summary, the available evidence is currently insufficient to determine the role of this variant in disease. Therefore, it has been classified as a Variant of Uncertain Significance.

Ambry Genetics
Classification: Uncertain significance for Hereditary cancer-predisposing syndrome. Last evaluated: 2023-02-24. Review status: criteria provided, single submitter. Criteria: Ambry Variant Classification Scheme 2023. Collection method: clinical testing. Allele origin: germline.
Comment: The p.R1706G variant (also known as c.5116C>G), located in coding exon 39 of the TSC2 gene, results from a C to G substitution at nucleotide position 5116. The arginine at codon 1706 is replaced by glycine, an amino acid with dissimilar properties. This amino acid position is conserved. In addition, this alteration is predicted to be deleterious by in silico analysis. Since supporting evidence is limited at this time, the clinical significance of this alteration remains unclear.